The following is an entry in ClinVar:

ClinVar aggregate classification (germline): Uncertain significance. Review status: criteria provided, multiple submitters, no conflicts (2 of 4 stars). 3 submissions from 3 submitters: Uncertain significance (3). Last evaluated 2023-05-05.

Conditions:
Idiopathic generalized epilepsy. Also called: EIG; Generalised epilepsy. Identifiers: MedGen C0270850, MONDO:0005579, OMIM 600669.

Allele frequency attached by ClinVar (database versions not stated): gnomAD 0.00001 and 0.00002; gnomAD exomes 0.00001 and 0.00002; ExAC 0.00002; TOPMed 0.00003.
gnomAD v4.1: 35 of 1,610,556 alleles (0.0022%); highest among the groups gnomAD compares: South Asian, 0.0044%; 1 homozygote.

Submissions (3):

Athena Diagnostics
Classification: Uncertain significance. Last evaluated: 2023-05-05. Review status: criteria provided, single submitter. Criteria: Athena Diagnostics Criteria. Collection method: clinical testing. Allele origin: unknown.
Comment: Available data are insufficient to determine the clinical significance of the variant at this time. The frequency of this variant in the general population is uninformative in assessment of its pathogenicity. This variant has been seen where an alternate explanation for disease was also identified, suggesting this variant may not cause disease. Computational tools disagree on the variant's effect on normal protein function.

Labcorp Genetics (formerly Invitae), Labcorp
Classification: Uncertain significance for Idiopathic generalized epilepsy. Last evaluated: 2021-09-01. Review status: criteria provided, single submitter. Criteria: Invitae Variant Classification Sherloc (09022015). Collection method: clinical testing. Allele origin: germline.
Comment: This sequence change replaces arginine with glutamine at codon 517 of the CACNB4 protein (p.Arg517Gln). The arginine residue is moderately conserved and there is a small physicochemical difference between arginine and glutamine. This variant is present in population databases (rs760115429, ExAC 0.003%). This variant has not been reported in the literature in individuals affected with CACNB4-related conditions. ClinVar contains an entry for this variant (Variation ID: 204942). Algorithms developed to predict the effect of missense changes on protein structure and function are either unavailable or do not agree on the potential impact of this missense change (SIFT: "Tolerated"; PolyPhen-2: "Probably Damaging"; Align-GVGD: "Class C0"). In summary, the available evidence is currently insufficient to determine the role of this variant in disease. Therefore, it has been classified as a Variant of Uncertain Significance.

GeneDx
Classification: Uncertain significance. Last evaluated: 2015-01-20. Review status: criteria provided, single submitter. Criteria: GeneDx Variant Classification (06012015). Collection method: clinical testing. Allele origin: germline. Affected: yes.
Comment: p.Arg517Gln (CGA>CAA): c.1550 G>A in exon 14 of the CACNB4 gene (NM_000726.2). The R517Q variant has not been published as a mutation, nor has it been reported as a benign polymorphism to our knowledge. It was not observed in approximately 6,000 individuals of European and African American ancestry in the NHLBI Exome Sequencing Project, indicating it is not a common benign variant in these populations. This substitution occurs at a position that is conserved across species, and in silico analysis predicts this variant is probably damaging to the protein structure/function. The R517Q variant is a semi-conservative amino acid substitution, which may impact secondary protein structure as these residues differ in some properties. Therefore, based on the currently available information, it is unclear whether this variant is a pathogenic mutation or a rare benign variant. The variant is found in EPILEPSYV2-1 panel(s).

Literature cited by the submitters: PubMed 35571021 (cited by Athena Diagnostics).

NM_000726.5(CACNB4):c.1550G>A (p.Arg517Gln)

Gene: CACNB4 (calcium voltage-gated channel auxiliary subunit beta 4; minus strand). Cytogenetic location: 2q23.3.
Variant type: single nucleotide variant.
Coding change: c.1550G>A on transcript NM_000726.5 (MANE Select); coding-DNA position 1550, G replaced by A.
Protein change: p.Arg517Gln; replaces arginine 517 with glutamine.
Molecular consequence: missense variant.
Genome position (GRCh38, 1-based): chr2:151,839,132, C>T on the plus strand (G>A on the coding strand, the complement: CACNB4 is on the minus strand). VCF-style: chr2-151839132-C-T. GRCh37 (hg19) VCF-style: chr2-152695646-C-T.
Other names: p.R517Q:CGA>CAA; c.1496G>A, p.Arg499Gln (NM_001005746.4); c.1448G>A, p.Arg483Gln (NM_001005747.4); c.1364G>A, p.Arg455Gln (NM_001145798.3); c.1409G>A, p.Arg470Gln (NM_001320722.3, NM_001330118.2); c.1307G>A, p.Arg436Gln (NM_001330113.2); c.896G>A, p.Arg299Gln (NM_001330114.2); c.1259G>A, p.Arg420Gln (NM_001330115.2); and 2 more; short protein forms R517Q, R299Q, R331Q, R407Q, R420Q, R483Q, R436Q, R470Q.
Identifiers: ClinVar variation 204942 (VCV000204942.7), dbSNP rs760115429, ClinGen allele CA313410.